The following is an entry in ClinVar:

ClinVar aggregate classification (germline): Uncertain significance. Review status: criteria provided, multiple submitters, no conflicts (2 of 4 stars). 2 submissions from 2 submitters: Uncertain significance (2). Last evaluated 2022-04-03.

Conditions:
Anemia, congenital dyserythropoietic, type 1a (CDAN1A). Also called: DYSERYTHROPOIETIC ANEMIA, CONGENITAL, TYPE Ia; CDAN1-Related Congenital Dyserythropoietic Anemia. Identifiers: MedGen C5574667, MONDO:0009135, OMIM 224120.

Submissions (2):

Labcorp Genetics (formerly Invitae), Labcorp
Classification: Uncertain significance. Last evaluated: 2022-04-03. Review status: criteria provided, single submitter. Criteria: Invitae Variant Classification Sherloc (09022015). Collection method: clinical testing. Allele origin: germline.
Comment: This sequence change replaces arginine, which is basic and polar, with tryptophan, which is neutral and slightly polar, at codon 503 of the CDAN1 protein (p.Arg503Trp). This variant is present in population databases (rs748862062, gnomAD 0.02%). This variant has not been reported in the literature in individuals affected with CDAN1-related conditions. ClinVar contains an entry for this variant (Variation ID: 1330684). Algorithms developed to predict the effect of missense changes on protein structure and function are either unavailable or do not agree on the potential impact of this missense change (SIFT: "Deleterious"; PolyPhen-2: "Probably Damaging"; Align-GVGD: "Class C0"). In summary, the available evidence is currently insufficient to determine the role of this variant in disease. Therefore, it has been classified as a Variant of Uncertain Significance.

ARUP Laboratories, Molecular Genetics and Genomics, ARUP Laboratories
Classification: Uncertain significance for Anemia, congenital dyserythropoietic, type 1a. Last evaluated: 2020-12-29. Review status: criteria provided, single submitter. Criteria: ARUP Molecular Germline Variant Investigation Process 2021. Collection method: clinical testing. Allele origin: germline.

NM_138477.4(CDAN1):c.1507C>T (p.Arg503Trp)

Gene: CDAN1 (codanin 1; minus strand). Cytogenetic location: 15q15.2.
Variant type: single nucleotide variant.
Coding change: c.1507C>T on transcript NM_138477.4 (MANE Select); coding-DNA position 1507, C replaced by T.
Protein change: p.Arg503Trp; replaces arginine 503 with tryptophan.
Molecular consequence: missense variant.
Genome position (GRCh38, 1-based): chr15:42,732,359, G>A on the plus strand (C>T on the coding strand, the complement: CDAN1 is on the minus strand). VCF-style: chr15-42732359-G-A. GRCh37 (hg19) VCF-style: chr15-43024557-G-A.
Other names: short protein forms R503W.
Identifiers: ClinVar variation 1330684 (VCV001330684.8), dbSNP rs748862062, ClinGen allele CA7516031.
Genomic context (GRCh38, chr15:42,732,359, plus strand): 5'-TTAATGTGGATTAATCTCTTGCTGGGGCTGTTACCTGGAGTAGTTGTTTTTGGAAAAGCC[G>A]AACAAAGTGGCTGTGGCTGCAGGCTGCGGAGAGCTGACCCATCATGGCCCTGAGGAATAG-3'
Protein context (NP_612486.2, residues 493-513): SAACSHSHFV[Arg503Trp]LFQKQLLQMC